The following is an entry in ClinVar:

ClinVar aggregate classification (germline): Pathogenic (1 of 4 stars; one submission).

Conditions:
Hereditary cancer-predisposing syndrome. Also called: Neoplastic Syndromes, Hereditary; Tumor predisposition; Hereditary neoplastic syndrome; Hereditary Cancer Syndrome. Identifiers: Orphanet 140162, MedGen C0027672, MeSH D009386, MONDO:0015356.

Submission:

Ambry Genetics
Classification: Pathogenic for Hereditary cancer-predisposing syndrome. Last evaluated: 2023-02-02. Review status: criteria provided, single submitter. Criteria: Ambry Variant Classification Scheme 2023. Collection method: clinical testing. Allele origin: germline.
Comment: The p.E42* variant (also known as c.124G>T), located in coding exon 2 of the SDHD gene, results from a G to T substitution at nucleotide position 124. This changes the amino acid from a glutamic acid to a stop codon within coding exon 2. This alteration has been observed in at least one individual with a personal and/or family history that is consistent with SDHD-related disease (Ambry internal data). This variant is considered to be rare based on population cohorts in the Genome Aggregation Database (gnomAD). This alteration is expected to result in loss of function by premature protein truncation or nonsense-mediated mRNA decay. As such, this alteration is interpreted as a disease-causing mutation.

NM_003002.4(SDHD):c.124G>T (p.Glu42Ter)

Gene: SDHD (succinate dehydrogenase complex subunit D; plus strand). Cytogenetic location: 11q23.1.
Variant type: single nucleotide variant.
Coding change: c.124G>T on transcript NM_003002.4 (MANE Select); coding-DNA position 124, G replaced by T.
Protein change: p.Glu42Ter; replaces glutamic acid 42 with a stop codon.
Molecular consequence: nonsense. On other transcripts: non-coding transcript variant (1), intron variant (1).
Genome position (GRCh38, 1-based): chr11:112,087,928, G>T. VCF-style: chr11-112087928-G-T. GRCh37 (hg19) VCF-style: chr11-111958652-G-T.
Other names: c.124G>T, p.Glu42Ter (NM_001276503.2, NM_001276506.2); c.53-939G>T (NM_001276504.2); short protein forms E42*.
Identifiers: ClinVar variation 2452939 (VCV002452939.2), dbSNP rs756995021, ClinGen allele CA382617034.
Genomic context (GRCh38, chr11:112,087,928, plus strand): 5'-CGAACTCCAGTGGTCAGACCTGCTCATATCTCAGCATTTCTTCAGGACCGACCTATCCCA[G>T]AATGGTGTGGAGTGCAGCACATACACTTGTCACCGAGCCACCATTGTATGTTCTCTCCAT-3'